The following is an entry in ClinVar:

ClinVar aggregate classification (germline): Uncertain significance (1 of 4 stars; one submission).

gnomAD v4.1: 7 of 1,208,936 alleles (0.00058%); highest among the groups gnomAD compares: African/African-American, 0.0018%; no homozygotes.

Submission:

GeneDx
Classification: Uncertain significance. Last evaluated: 2023-06-22. Review status: criteria provided, single submitter. Criteria: GeneDx Variant Classification Process June 2021. Collection method: clinical testing. Allele origin: germline. Affected: yes.
Comment: Not observed at significant frequency in large population cohorts (gnomAD); In silico analysis supports that this missense variant has a deleterious effect on protein structure/function; Has not been previously published as pathogenic or benign to our knowledge

NM_001368397.1(FRMPD4):c.2303C>T (p.Pro768Leu)

Gene: FRMPD4 (FERM and PDZ domain containing 4; plus strand). Cytogenetic location: Xp22.2.
Variant type: single nucleotide variant.
Coding change: c.2303C>T on transcript NM_001368397.1 (MANE Select); coding-DNA position 2303, C replaced by T.
Protein change: p.Pro768Leu; replaces proline 768 with leucine.
Molecular consequence: missense variant.
Genome position (GRCh38, 1-based): chrX:12,716,762, C>T. VCF-style: chrX-12716762-C-T. GRCh37 (hg19) VCF-style: chrX-12734881-C-T.
Other names: c.2414C>T, p.Pro805Leu (NM_001368395.3, NM_001368398.3); c.2309C>T, p.Pro770Leu (NM_001368396.3); c.2294C>T, p.Pro765Leu (NM_001368399.3); c.2183C>T, p.Pro728Leu (NM_001368400.3); c.2279C>T, p.Pro760Leu (NM_001368401.1, NM_001368402.3); c.2303C>T, p.Pro768Leu (NM_014728.3); short protein forms P728L, P760L, P765L, P768L, P770L, P805L.
Identifiers: ClinVar variation 3360071 (VCV003360071.1).